The following is an entry in ClinVar:

ClinVar aggregate classification (germline): Uncertain significance (1 of 4 stars; one submission).

Submission:

Laboratorio de Genetica e Diagnostico Molecular, Hospital Israelita Albert Einstein
Classification: Uncertain significance. Last evaluated: 2020-07-15. Review status: criteria provided, single submitter. Criteria: ACMG Guidelines, 2015. Collection method: clinical testing. Allele origin: germline. Affected: yes.
Comment: ACMG classification criteria: PM2, BP4

NM_005660.3(SLC35A2):c.1163+70G>A

Gene: SLC35A2 (solute carrier family 35 member A2; minus strand). Cytogenetic location: Xp11.23.
Variant type: single nucleotide variant.
Coding change: c.1163+70G>A on transcript NM_005660.3 (MANE Select); 70 bases into the intron after coding-DNA position 1163, G replaced by A.
Molecular consequence: intron variant. On other transcripts: missense variant (2), 3 prime UTR variant (4).
Genome position (GRCh38, 1-based): chrX:48,904,676, C>T on the plus strand (G>A on the coding strand, the complement: SLC35A2 is on the minus strand). VCF-style: chrX-48904676-C-T. GRCh37 (hg19) VCF-style: chrX-48761953-C-T.
Other names: c.643G>A, p.Val215Ile (NM_001032289.3); c.*51G>A (NM_001042498.3, NM_001282649.2, NM_001282650.2 and 1 more transcripts); c.571G>A, p.Val191Ile (NM_001282648.2); c.573+70G>A (NM_001282647.2); short protein forms V191I, V215I.
Identifiers: ClinVar variation 1690914 (VCV001690914.2), dbSNP rs2147484554, ClinGen allele CA412893778.